The following is an entry in ClinVar:

NM_007126.5(VCP):c.351G>T (p.Leu117=)

Gene: VCP (valosin containing protein; minus strand). Cytogenetic location: 9p13.3.
Variant type: single nucleotide variant.
Coding change: c.351G>T on transcript NM_007126.5 (MANE Select); coding-DNA position 351, G replaced by T.
Protein change: p.Leu117=; no amino-acid change (leucine 117 retained).
Molecular consequence: synonymous variant.
Genome position (GRCh38, 1-based): chr9:35,066,769, C>A on the plus strand (G>T on the coding strand, the complement: VCP is on the minus strand). VCF-style: chr9-35066769-C-A. GRCh37 (hg19) VCF-style: chr9-35066766-C-A.
Other names: c.216G>T, p.Leu72= (NM_001354927.2, NM_001354928.2).
Identifiers: ClinVar variation 1109164 (VCV001109164.10), dbSNP rs1014455703, ClinGen allele CA464411299.
Genomic context (GRCh38, chr9:35,066,769, plus strand): 5'-CGGCTTAAGGTATACCTCGAAGAGATTACCAGTAATGCCTTCCACTGTGTCATCAATGGG[C>A]AGCACATGGATACGTTTGCCGTACTTCACATCAGGGCATGGCTGGATGCTGAGGATGACA-3'
Protein context (NP_009057.1, residues 107-127): DVKYGKRIHV[Leu117=]PIDDTVEGIT

ClinVar aggregate classification (germline): Likely benign. Review status: criteria provided, multiple submitters, no conflicts (2 of 4 stars). 2 submissions from 2 submitters: Likely benign (2). Last evaluated 2026-08-01.

Conditions:
Frontotemporal dementia and/or amyotrophic lateral sclerosis 6 (FTDALS6). Also called: VCP-Related Amyotrophic Lateral Sclerosis; VCP-Related Amyotrophic Lateral Sclerosis/Frontotemporal Dementia. Identifiers: Orphanet 275872, Orphanet 803, MedGen C5436279, MONDO:0013501, OMIM 613954.
Inclusion body myopathy with Paget disease of bone and frontotemporal dementia. Also called: Inclusion body myopathy with early-onset Paget disease and frontotemporal dementia. Identifiers: Orphanet 52430, MedGen C1833662, MONDO:0000507.

Allele frequency attached by ClinVar (database versions not stated): gnomAD 0.00001; gnomAD exomes 0.00001; TOPMed 0.00001.
gnomAD v4.1: 8 of 1,613,998 alleles (0.0005%); highest among the groups gnomAD compares: Admixed American, 0.0033%; no homozygotes.

Submissions (2):

CeGaT Center for Human Genetics Tuebingen
Classification: Likely benign. Last evaluated: 2026-08-01. Review status: criteria provided, single submitter. Criteria: CeGaT Center For Human Genetics Tuebingen Variant Classification Criteria Version 2. Collection method: clinical testing. Allele origin: germline. Affected: yes. Observed: 1 variant allele.
Comment: VCP: BP4, BP7

Labcorp Genetics (formerly Invitae), Labcorp
Classification: Likely benign for Inclusion body myopathy with Paget disease of bone and frontotemporal dementia; Frontotemporal dementia and/or amyotrophic lateral sclerosis 6. Last evaluated: 2025-12-16. Review status: criteria provided, single submitter. Criteria: Invitae Variant Classification Sherloc (09022015). Collection method: clinical testing. Allele origin: germline.